The following is an entry in ClinVar:

ClinVar aggregate classification (germline): Uncertain significance (1 of 4 stars; one submission).

Conditions:
Cardiovascular phenotype. Identifiers: MedGen CN230736.

gnomAD v4.1: 1 of 1,580,016 alleles (0.000063%); highest among the groups gnomAD compares: Non-Finnish European, 0.000086%; no homozygotes.

Submission:

Ambry Genetics
Classification: Uncertain significance for Cardiovascular phenotype. Last evaluated: 2026-03-16. Review status: criteria provided, single submitter. Criteria: Ambry Variant Classification Scheme 2023. Collection method: clinical testing. Allele origin: germline.
Comment: The p.S8A variant (also known as c.22T>G), located in coding exon 1 of the SPRED1 gene, results from a T to G substitution at nucleotide position 22. The serine at codon 8 is replaced by alanine, an amino acid with similar properties. This amino acid position is conserved. In addition, this alteration is predicted to be tolerated by in silico analysis. Based on the available evidence, the clinical significance of this variant remains unclear.

NM_152594.3(SPRED1):c.22T>G (p.Ser8Ala)

Gene: SPRED1 (sprouty related EVH1 domain containing 1; plus strand). Cytogenetic location: 15q14.
Variant type: single nucleotide variant.
Coding change: c.22T>G on transcript NM_152594.3 (MANE Select); coding-DNA position 22, T replaced by G.
Protein change: p.Ser8Ala; replaces serine 8 with alanine.
Molecular consequence: missense variant.
Genome position (GRCh38, 1-based): chr15:38,253,207, T>G. VCF-style: chr15-38253207-T-G. GRCh37 (hg19) VCF-style: chr15-38545408-T-G.
Other names: short protein forms S8A.
Identifiers: ClinVar variation 4865009 (VCV004865009.1).
Genomic context (GRCh38, chr15:38,253,207, plus strand): 5'-TGCTCCTCCATCTCCAGATCGGATCACGGTGAGGGAAAGATGAGCGAGGAGACGGCGACT[T>G]CTGACAACGAGTAAGCGCCTCATTGATCTCGATTGCTAATCCCCCTCCCCCTATCCGCCC-3'
Protein context (NP_689807.1, residues 1-18): MSEETAT[Ser8Ala]DNDNSYARVR